The following is an entry in ClinVar:

ClinVar aggregate classification (germline): Uncertain significance. Review status: criteria provided, multiple submitters, no conflicts (2 of 4 stars). 5 submissions from 5 submitters: Uncertain significance (5). Last evaluated 2026-02-16.

Conditions:
Cardiovascular phenotype. Identifiers: MedGen CN230736.
Alstrom syndrome (ALMS). Identifiers: Orphanet 64, MedGen C0268425, MONDO:0008763, OMIM 203800.

Allele frequency attached by ClinVar (database versions not stated): gnomAD exomes below 0.00001 and 0.00002; TOPMed 0.00002.
gnomAD v4.1: 26 of 1,605,048 alleles (0.0016%); highest among the groups gnomAD compares: Non-Finnish European, 0.002%; no homozygotes.

Submissions (5):

Women's Health and Genetics/Laboratory Corporation of America, LabCorp
Classification: Uncertain significance. Last evaluated: 2026-02-16. Review status: criteria provided, single submitter. Criteria: LabCorp Variant Classification Summary - May 2015. Collection method: clinical testing. Allele origin: germline.

Ambry Genetics
Classification: Uncertain significance for Cardiovascular phenotype. Last evaluated: 2023-01-25. Review status: criteria provided, single submitter. Criteria: Ambry Variant Classification Scheme 2023. Collection method: clinical testing. Allele origin: germline.
Comment: The p.V744L variant (also known as c.2230G>C), located in coding exon 8 of the ALMS1 gene, results from a G to C substitution at nucleotide position 2230. The valine at codon 744 is replaced by leucine, an amino acid with highly similar properties. This amino acid position is not well conserved in available vertebrate species. In addition, this alteration is predicted to be tolerated by in silico analysis. Since supporting evidence is limited at this time, the clinical significance of this alteration remains unclear.

Labcorp Genetics (formerly Invitae), Labcorp
Classification: Uncertain significance for Alstrom syndrome. Last evaluated: 2022-05-22. Review status: criteria provided, single submitter. Criteria: Invitae Variant Classification Sherloc (09022015). Collection method: clinical testing. Allele origin: germline.
Comment: This sequence change replaces valine, which is neutral and non-polar, with leucine, which is neutral and non-polar, at codon 744 of the ALMS1 protein (p.Val744Leu). This variant is present in population databases (no rsID available, gnomAD 0.0009%). This variant has not been reported in the literature in individuals affected with ALMS1-related conditions. ClinVar contains an entry for this variant (Variation ID: 1033320). In summary, the available evidence is currently insufficient to determine the role of this variant in disease. Therefore, it has been classified as a Variant of Uncertain Significance.

Fulgent Genetics
Classification: Uncertain significance for Alstrom syndrome. Last evaluated: 2021-07-24. Review status: criteria provided, single submitter. Criteria: ACMG Guidelines, 2015. Collection method: clinical testing. Allele origin: unknown.

Baylor Genetics
Classification: Uncertain significance for Alstrom syndrome. Last evaluated: 2018-12-24. Review status: criteria provided, single submitter. Criteria: ACMG Guidelines, 2015. Collection method: clinical testing. Allele origin: unknown. Affected: yes.
Comment: This variant was determined to be of uncertain significance according to ACMG Guidelines, 2015 [PMID:25741868].

NM_001378454.1(ALMS1):c.2227G>C (p.Val743Leu)

Gene: ALMS1 (ALMS1 centrosome and basal body associated protein; plus strand). Cytogenetic location: 2p13.1.
Variant type: single nucleotide variant.
Coding change: c.2227G>C on transcript NM_001378454.1 (MANE Select); coding-DNA position 2227, G replaced by C.
Protein change: p.Val743Leu; replaces valine 743 with leucine.
Molecular consequence: missense variant.
Genome position (GRCh38, 1-based): chr2:73,448,754, G>C. VCF-style: chr2-73448754-G-C. GRCh37 (hg19) VCF-style: chr2-73675881-G-C.
Other names: c.2230G>C, p.Val744Leu (NM_015120.4); short protein forms V743L, V744L.
Identifiers: ClinVar variation 1033320 (VCV001033320.8), dbSNP rs1046271130, ClinGen allele CA50391459.